The following is an entry in ClinVar:

NM_001130438.3(SPTAN1):c.2560+47C>T

Gene: SPTAN1 (spectrin alpha, non-erythrocytic 1; plus strand). Cytogenetic location: 9q34.11.
Variant type: single nucleotide variant.
Coding change: c.2560+47C>T on transcript NM_001130438.3 (MANE Select); 47 bases into the intron after coding-DNA position 2560, C replaced by T.
Molecular consequence: intron variant.
Genome position (GRCh38, 1-based): chr9:128,584,890, C>T. VCF-style: chr9-128584890-C-T. GRCh37 (hg19) VCF-style: chr9-131347169-C-T.
Other names: c.2560+47C>T (NM_001363759.2, NM_003127.4, NM_001363765.2 and 1 more transcripts).
Identifiers: ClinVar variation 160002 (VCV000160002.9), dbSNP rs4837284, ClinGen allele CA173552.

ClinVar aggregate classification (germline): Benign. Review status: criteria provided, multiple submitters, no conflicts (2 of 4 stars). 4 submissions from 4 submitters: Benign (3). 1 of the submissions does not count toward it. Last evaluated 2024-07-15.

Allele frequency attached by ClinVar (database versions not stated): 1000 Genomes Project 0.61921; gnomAD exomes 0.86121 and 0.79762; 1000 Genomes Project 30x 0.61493; gnomAD 0.72498 and 0.72327; TOPMed 0.70894; ESP Exome Variant Server 0.73328; ExAC 0.79283.
gnomAD v4.1: 1,366,872 of 1,613,284 alleles (85%); highest among the groups gnomAD compares: Non-Finnish European, 90%; 592,391 homozygotes.

Submissions (4):

Unidad de Genómica Garrahan, Hospital de Pediatría Garrahan
Classification: Benign. Last evaluated: 2024-07-15. Review status: criteria provided, single submitter. Criteria: ACMG Guidelines, 2015. Collection method: clinical testing. Allele origin: germline. Affected: no. Observed: 56 variant alleles.
Comment: This variant is classified as Benign based on local population frequency. This variant was detected in 60% of patients studied in a panel designed for Epileptic and Developmental Encephalopathy and Progressive Myoclonus Epilepsy. Number of patients: 56. Only high quality variants are reported.

GeneDx
Classification: Benign. Last evaluated: 2018-06-14. Review status: criteria provided, single submitter. Criteria: GeneDx Variant Classification (06012015). Collection method: clinical testing. Allele origin: germline. Affected: yes.
Comment: This variant is considered likely benign or benign based on one or more of the following criteria: it is a conservative change, it occurs at a poorly conserved position in the protein, it is predicted to be benign by multiple in silico algorithms, and/or has population frequency not consistent with disease.

Breakthrough Genomics
Classification: Benign. Review status: criteria provided, single submitter. Criteria: ACMG Guidelines, 2015. Collection method: not provided. Allele origin: germline. Inheritance: Autosomal dominant inheritance. Affected: yes.

Genetic Services Laboratory, University of Chicago
Classification: Likely benign. Review status: no assertion criteria provided. Collection method: clinical testing. Allele origin: germline. Inheritance: Autosomal dominant inheritance. Not counted in ClinVar's aggregate classification.
Comment: Likely benign based on allele frequency in 1000 Genomes Project or ESP global frequency and its presence in a patient with a rare or unrelated disease phenotype. NOT Sanger confirmed